The following is an entry in ClinVar:

ClinVar aggregate classification (germline): Conflicting classifications of pathogenicity. Review status: criteria provided, conflicting classifications (1 of 4 stars). 9 submissions from 9 submitters: Uncertain significance (6); Likely benign (3). Last evaluated 2025-01-10.

Conditions:
Hereditary cancer-predisposing syndrome. Also called: Tumor predisposition; Neoplastic Syndromes, Hereditary; Hereditary Cancer Syndrome; Hereditary neoplastic syndrome. Identifiers: Orphanet 140162, MedGen C0027672, MeSH D009386, MONDO:0015356.
Breast-ovarian cancer, familial, susceptibility to, 2 (BROVCA2). Also called: BRCA2 Hereditary Breast and Ovarian Cancer. Identifiers: Orphanet 145, MedGen C2675520, MONDO:0012933, OMIM 612555. Disease mechanism: loss of function.
Familial cancer of breast. Also called: BREAST CANCER, FAMILIAL; hereditary breast carcinoma; Hereditary breast cancer. Identifiers: Orphanet 227535, MedGen C0346153, MONDO:0016419, OMIM 114480. Disease mechanism: loss of function.
Hereditary breast ovarian cancer syndrome. Also called: Hereditary breast and ovarian cancer; Hereditary breast and ovarian cancer syndrome (HBOC); BRCA1- and BRCA2-Associated Hereditary Breast and Ovarian Cancer; Breast and ovarian cancer; Hereditary breast and ovarian cancer syndrome; Hereditary breast and/or ovarian cancer syndrome. Identifiers: Orphanet 145, MedGen C0677776, MeSH D061325, MONDO:0003582. Disease mechanism: loss of function.

Allele frequency attached by ClinVar (database versions not stated): ExAC 0.00002; gnomAD exomes 0.00002.
gnomAD v4.1: 18 of 1,613,920 alleles (0.0011%); highest among the groups gnomAD compares: South Asian, 0.016%; 1 homozygote.

Submissions (9):

Ambry Genetics
Classification: Uncertain significance for Hereditary cancer-predisposing syndrome. Last evaluated: 2025-01-10. Review status: criteria provided, single submitter. Criteria: Ambry Variant Classification Scheme 2023. Collection method: clinical testing. Allele origin: germline.
Comment: The p.S767R variant (also known as c.2299A>C), located in coding exon 10 of the BRCA2 gene, results from an A to C substitution at nucleotide position 2299. The serine at codon 767 is replaced by arginine, an amino acid with dissimilar properties. This variant was detected in a cohort of 763 patients with breast and/or ovarian cancer from South Africa (Oosthuizen J et al. Front Oncol, 2020 Feb;10:619469). This amino acid position is not well conserved in available vertebrate species. In addition, this alteration is predicted to be tolerated by in silico analysis. Based on the available evidence, the clinical significance of this variant remains unclear.

Labcorp Genetics (formerly Invitae), Labcorp
Classification: Likely benign for Hereditary breast ovarian cancer syndrome. Last evaluated: 2024-12-02. Review status: criteria provided, single submitter. Criteria: Invitae Variant Classification Sherloc (09022015). Collection method: clinical testing. Allele origin: germline.

Women's Health and Genetics/Laboratory Corporation of America, LabCorp
Classification: Uncertain significance. Last evaluated: 2024-10-28. Review status: criteria provided, single submitter. Criteria: LabCorp Variant Classification Summary - May 2015. Collection method: clinical testing. Allele origin: germline.
Comment: Variant summary: BRCA2 c.2299A>C (p.Ser767Arg) results in a non-conservative amino acid change in the encoded protein sequence. Three of five in-silico tools predict a damaging effect of the variant on protein function. The variant allele was found at a frequency of 1.6e-05 in 251096 control chromosomes (gnomAD). The available data on variant occurrences in the general population are insufficient to allow any conclusion about variant significance. c.2299A>C has been reported in the literature in individuals affected with BRCA2-related conditions (examples: Hasmad_2016, Oosthuizen_2021). These report(s) do not provide unequivocal conclusions about association of the variant with Hereditary Breast And Ovarian Cancer Syndrome. To our knowledge, no experimental evidence demonstrating an impact on protein function has been reported. The following publications have been ascertained in the context of this evaluation (PMID: 26541979, 33643918). ClinVar contains an entry for this variant (Variation ID: 489748). Based on the evidence outlined above, the variant was classified as uncertain significance.

Color Diagnostics, LLC DBA Color Health
Classification: Likely benign for Hereditary cancer-predisposing syndrome. Last evaluated: 2024-10-01. Review status: criteria provided, single submitter. Criteria: ACMG Guidelines, 2015. Collection method: clinical testing. Allele origin: germline.

University of Washington Department of Laboratory Medicine, University of Washington
Classification: Likely benign for Hereditary cancer-predisposing syndrome. Last evaluated: 2023-03-23. Review status: criteria provided, single submitter. Criteria: Dines et al. (Genet Med. 2020). Collection method: curation. Allele origin: germline.
Comment: Missense variant in a coldspot region where missense variants are very unlikely to be pathogenic (PMID:31911673).

BRCA2 exon 11 coldspot. Reclassification based on statistical prior probability.

GeneDx
Classification: Uncertain significance. Last evaluated: 2022-11-03. Review status: criteria provided, single submitter. Criteria: GeneDx Variant Classification Process June 2021. Collection method: clinical testing. Allele origin: germline. Affected: yes.
Comment: Not observed at significant frequency in large population cohorts (gnomAD); In silico analysis supports that this missense variant has a deleterious effect on protein structure/function; Has not been previously published as pathogenic or benign to our knowledge; Also known as 2527A>C; This variant is associated with the following publications: (PMID: 35464868)

National Health Laboratory Service, Universitas Academic Hospital and University of the Free State
Classification: Uncertain significance for Hereditary breast ovarian cancer syndrome. Last evaluated: 2022-04-19. Review status: criteria provided, single submitter. Criteria: ACMG Guidelines, 2015. Collection method: clinical testing. Allele origin: germline. Affected: yes. Observed: 2 variant alleles.

Department of Pathology and Laboratory Medicine, Sinai Health System
Classification: Uncertain significance for Familial cancer of breast; Breast-ovarian cancer, familial, susceptibility to, 2. Last evaluated: 2022-01-24. Review status: criteria provided, single submitter. Criteria: ACMG Guidelines, 2015. Collection method: clinical testing. Allele origin: germline. Affected: yes.

Genetic Services Laboratory, University of Chicago
Classification: Uncertain significance. Last evaluated: 2020-12-08. Review status: criteria provided, single submitter. Criteria: ACMG Guidelines, 2015. Collection method: clinical testing. Allele origin: germline. Affected: no.
Comment: DNA sequence analysis of the BRCA2 gene demonstrated a sequence change, c.2299A>C, in exon 11 that results in an amino acid change, p.Ser767Arg. This sequence change does not appear to have been previously described in individuals with BRCA2-related disorders and has been described in the gnomAD database in four individuals with an overall population frequency of 0.002% (dbSNP rs750755676). The p.Ser767Arg change affects a moderately conserved amino acid residue located in a domain of the BRCA2 protein that is known to be functional. In-silico pathogenicity prediction tools (SIFT, PolyPhen2, Align GVGD, REVEL) provide contradictory results for the p.Ser767Arg substitution. Due to these contrasting evidences and the lack of functional studies, the clinical significance of the p.Ser767Arg change remains unknown at this time.

Literature cited by the submitters: PubMed 33643918 (cited by Ambry Genetics and Women's Health and Genetics/Laboratory Corporation of America, LabCorp); PubMed 26541979 (cited by Women's Health and Genetics/Laboratory Corporation of America, LabCorp); DOI 10.3389/fgene.2022.834265 (cited by National Health Laboratory Service, Universitas Academic Hospital and University of the Free State).

NM_000059.4(BRCA2):c.2299A>C (p.Ser767Arg)

Gene: BRCA2 (BRCA2 DNA repair associated; plus strand). Cytogenetic location: 13q13.1.
Variant type: single nucleotide variant.
Coding change: c.2299A>C on transcript NM_000059.4 (MANE Select); coding-DNA position 2299, A replaced by C.
Protein change: p.Ser767Arg; replaces serine 767 with arginine.
Molecular consequence: missense variant.
Genome position (GRCh38, 1-based): chr13:32,336,654, A>C. VCF-style: chr13-32336654-A-C. GRCh37 (hg19) VCF-style: chr13-32910791-A-C.
Other names: NP_000050.3:p.Ser767Arg; short protein forms S767R.
Identifiers: ClinVar variation 489748 (VCV000489748.42), dbSNP rs750755676, ClinGen allele CA6940594.